The following is an entry in ClinVar:

NM_001690.4(ATP6V1A):c.1379C>A (p.Ala460Asp)

Gene: ATP6V1A (ATPase H+ transporting V1 subunit A; plus strand). Cytogenetic location: 3q13.31.
Variant type: single nucleotide variant.
Coding change: c.1379C>A on transcript NM_001690.4 (MANE Select); coding-DNA position 1379, C replaced by A.
Protein change: p.Ala460Asp; replaces alanine 460 with aspartic acid.
Molecular consequence: missense variant.
Genome position (GRCh38, 1-based): chr3:113,798,331, C>A. VCF-style: chr3-113798331-C-A. GRCh37 (hg19) VCF-style: chr3-113517178-C-A.
Other names: short protein forms A460D.
Identifiers: ClinVar variation 1310961 (VCV001310961.2), dbSNP rs2108040702, ClinGen allele CA354019922.
Genomic context (GRCh38, chr3:113,798,331, plus strand): 5'-CTCAACGTAAGCATTTCCCCTCTGTCAATTGGCTCATCAGCTACAGCAAGTATATGCGTG[C>A]CTTGGATGAATACTATGACAAACACTTCACAGAGTTCGTTCCTCTGAGGACGAAAGCTAA-3'
Protein context (NP_001681.2, residues 450-470): WLISYSKYMR[Ala460Asp]LDEYYDKHFT

ClinVar aggregate classification (germline): Uncertain significance (1 of 4 stars; one submission).

Submission:

GeneDx
Classification: Uncertain significance. Last evaluated: 2020-01-06. Review status: criteria provided, single submitter. Criteria: GeneDx Variant Classification Process June 2021. Collection method: clinical testing. Allele origin: germline. Affected: yes.
Comment: Not observed in large population cohorts (Lek et al., 2016); In silico analysis, which includes protein predictors and evolutionary conservation, supports a deleterious effect; Has not been previously published as pathogenic or benign to our knowledge